The following is an entry in ClinVar:

NM_006231.4(POLE):c.2319+19C>T

Gene: POLE (DNA polymerase epsilon, catalytic subunit; minus strand). Cytogenetic location: 12q24.33.
Variant type: single nucleotide variant.
Coding change: c.2319+19C>T on transcript NM_006231.4 (MANE Select); 19 bases into the intron after coding-DNA position 2319, C replaced by T.
Molecular consequence: intron variant.
Genome position (GRCh38, 1-based): chr12:132,667,484, G>A on the plus strand (C>T on the coding strand, the complement: POLE is on the minus strand). VCF-style: chr12-132667484-G-A. GRCh37 (hg19) VCF-style: chr12-133244070-G-A.
Identifiers: ClinVar variation 388085 (VCV000388085.7), dbSNP rs370320759, ClinGen allele CA6893607.

ClinVar aggregate classification (germline): Likely benign. Review status: criteria provided, multiple submitters, no conflicts (2 of 4 stars). 3 submissions from 3 submitters: Likely benign (3). Last evaluated 2025-10-26.

Allele frequency attached by ClinVar (database versions not stated): ExAC 0.00001; gnomAD 0.00001; gnomAD exomes 0.00001 and 0.00002; TOPMed 0.00002; ESP Exome Variant Server 0.00008.
gnomAD v4.1: 30 of 1,612,584 alleles (0.0019%); highest among the groups gnomAD compares: Non-Finnish European, 0.0025%; no homozygotes.

Submissions (3):

Labcorp Genetics (formerly Invitae), Labcorp
Classification: Likely benign. Last evaluated: 2025-10-26. Review status: criteria provided, single submitter. Criteria: Invitae Variant Classification Sherloc (09022015). Collection method: clinical testing. Allele origin: germline.

Blueprint Genetics
Classification: Likely benign. Last evaluated: 2023-12-01. Review status: criteria provided, single submitter. Criteria: ACMG Guidelines, 2015. Collection method: clinical testing. Allele origin: germline.

GeneDx
Classification: Likely benign. Last evaluated: 2017-06-28. Review status: criteria provided, single submitter. Criteria: GeneDx Variant Classification (06012015). Collection method: clinical testing. Allele origin: germline. Affected: yes.
Comment: This variant is considered likely benign or benign based on one or more of the following criteria: it is a conservative change, it occurs at a poorly conserved position in the protein, it is predicted to be benign by multiple in silico algorithms, and/or has population frequency not consistent with disease.